The following is an entry in ClinVar:

NM_000044.6(AR):c.2450-44G>A

Gene: AR (androgen receptor; plus strand). Cytogenetic location: Xq12.
Variant type: single nucleotide variant.
Coding change: c.2450-44G>A on transcript NM_000044.6 (MANE Select); 44 bases into the intron before coding-DNA position 2450, G replaced by A.
Molecular consequence: intron variant.
Genome position (GRCh38, 1-based): chrX:67,722,783, G>A. VCF-style: chrX-67722783-G-A. GRCh37 (hg19) VCF-style: chrX-66942625-G-A.
Other names: c.854-44G>A (NM_001011645.3).
Identifiers: ClinVar variation 1259529 (VCV001259529.11), dbSNP rs5031002, ClinGen allele CA10436655.

ClinVar aggregate classification (germline): Benign. Review status: criteria provided, multiple submitters, no conflicts (2 of 4 stars). 3 submissions from 3 submitters: Benign (3). Last evaluated 2022-10-13.

Conditions:
Androgen resistance syndrome (AIS). Also called: ANDROGEN RECEPTOR DEFICIENCY; DIHYDROTESTOSTERONE RECEPTOR DEFICIENCY; Androgen insensitivity; TESTICULAR FEMINIZATION SYNDROME; Androgen insensitivity syndrome; Androgen insensitivity, complete. Identifiers: Orphanet 754, Orphanet 99429, MedGen C0039585, MONDO:0019154, OMIM 300068. Disease mechanism: loss of function.
Kennedy disease (SMAX1). Also called: SPINAL AND BULBAR MUSCULAR ATROPHY, X-LINKED 1; KENNEDY SPINAL AND BULBAR MUSCULAR ATROPHY; Spinal and Bulbar Muscular Atrophy. Identifiers: Orphanet 481, MedGen C1839259, MONDO:0010735, OMIM 313200.

Allele frequency attached by ClinVar (database versions not stated): 1000 Genomes Project 0.00874; 1000 Genomes Project 30x 0.00895; TOPMed 0.01309; gnomAD exomes 0.01459 and 0.02320; gnomAD 0.01467 and 0.01476; ESP Exome Variant Server 0.01884; ExAC 0.01904.
gnomAD v4.1: 26,606 of 1,198,668 alleles (2.2%); highest among the groups gnomAD compares: Non-Finnish European, 2.7%; 229 homozygotes.

Submissions (3):

Labcorp Genetics (formerly Invitae), Labcorp
Classification: Benign for Kennedy disease; Androgen resistance syndrome. Last evaluated: 2022-10-13. Review status: criteria provided, single submitter. Criteria: Invitae Variant Classification Sherloc (09022015). Collection method: clinical testing. Allele origin: germline.

GeneDx
Classification: Benign. Last evaluated: 2015-03-03. Review status: criteria provided, single submitter. Criteria: GeneDx Variant Classification Process June 2021. Collection method: clinical testing. Allele origin: germline. Affected: yes.
Comment: This variant is associated with the following publications: (PMID: 27884173, 20150575)

Breakthrough Genomics
Classification: Benign. Review status: criteria provided, single submitter. Criteria: ACMG Guidelines, 2015. Collection method: not provided. Allele origin: germline. Inheritance: X-linked inheritance. Affected: yes.